The following is an entry in ClinVar:

NM_000081.4(LYST):c.890G>A (p.Gly297Glu)

Gene: LYST (lysosomal trafficking regulator; minus strand). Cytogenetic location: 1q42.3.
Variant type: single nucleotide variant.
Coding change: c.890G>A on transcript NM_000081.4 (MANE Select); coding-DNA position 890, G replaced by A.
Protein change: p.Gly297Glu; replaces glycine 297 with glutamic acid.
Molecular consequence: missense variant.
Genome position (GRCh38, 1-based): chr1:235,809,928, C>T on the plus strand (G>A on the coding strand, the complement: LYST is on the minus strand). VCF-style: chr1-235809928-C-T. GRCh37 (hg19) VCF-style: chr1-235973228-C-T.
Other names: c.890G>A, p.Gly297Glu (NM_001301365.1); short protein forms G297E.
Identifiers: ClinVar variation 940982 (VCV000940982.7), dbSNP rs2527123718, ClinGen allele CA344963904.

ClinVar aggregate classification (germline): Uncertain significance (1 of 4 stars; one submission).

Conditions:
Chédiak-Higashi syndrome (CHS). Also called: Chediak-Higashi Syndrome. Identifiers: Orphanet 167, MedGen C0007965, MONDO:0008963, OMIM 214500.

Submission:

Labcorp Genetics (formerly Invitae), Labcorp
Classification: Uncertain significance for Chédiak-Higashi syndrome. Last evaluated: 2021-10-04. Review status: criteria provided, single submitter. Criteria: Invitae Variant Classification Sherloc (09022015). Collection method: clinical testing. Allele origin: germline.
Comment: Algorithms developed to predict the effect of missense changes on protein structure and function are either unavailable or do not agree on the potential impact of this missense change (SIFT: "Tolerated"; PolyPhen-2: "Probably Damaging"; Align-GVGD: "Class C0"). This variant has not been reported in the literature in individuals affected with LYST-related conditions. This variant is not present in population databases (ExAC no frequency). This sequence change replaces glycine with glutamic acid at codon 297 of the LYST protein (p.Gly297Glu). The glycine residue is moderately conserved and there is a moderate physicochemical difference between glycine and glutamic acid. In summary, the available evidence is currently insufficient to determine the role of this variant in disease. Therefore, it has been classified as a Variant of Uncertain Significance.